The following is an entry in ClinVar:

NM_000310.4(PPT1):c.536+5G>T

Gene: PPT1 (palmitoyl-protein thioesterase 1; minus strand). Cytogenetic location: 1p34.2.
Variant type: single nucleotide variant.
Coding change: c.536+5G>T on transcript NM_000310.4 (MANE Select); 5 bases into the intron after coding-DNA position 536, G replaced by T.
Molecular consequence: intron variant.
Genome position (GRCh38, 1-based): chr1:40,089,405, C>A on the plus strand (G>T on the coding strand, the complement: PPT1 is on the minus strand). VCF-style: chr1-40089405-C-A. GRCh37 (hg19) VCF-style: chr1-40555077-C-A.
Other names: c.227+5G>T (NM_001142604.2); c.536+5G>T (NM_001363695.2).
Identifiers: ClinVar variation 565667 (VCV000565667.9), dbSNP rs1208757133, ClinGen allele CA522420326.

ClinVar aggregate classification (germline): Uncertain significance (1 of 4 stars; one submission).

Conditions:
Neuronal ceroid lipofuscinosis 1 (CLN1). Also called: CEROID LIPOFUSCINOSIS, NEURONAL, 1, VARIABLE AGE AT ONSET; PPT1-Related Neuronal Ceroid-Lipofuscinosis. Identifiers: Orphanet 228329, MedGen C1850451, MONDO:0009744, OMIM 256730.

Allele frequency attached by ClinVar (database versions not stated): gnomAD exomes 0.00001.
gnomAD v4.1: 5 of 1,610,032 alleles (0.00031%); highest among the groups gnomAD compares: Non-Finnish European, 0.00042%; no homozygotes.

Submission:

Labcorp Genetics (formerly Invitae), Labcorp
Classification: Uncertain significance for Neuronal ceroid lipofuscinosis 1. Last evaluated: 2023-08-10. Review status: criteria provided, single submitter. Criteria: Invitae Variant Classification Sherloc (09022015). Collection method: clinical testing. Allele origin: germline.
Comment: This variant has not been reported in the literature in individuals affected with PPT1-related conditions. This sequence change falls in intron 5 of the PPT1 gene. It does not directly change the encoded amino acid sequence of the PPT1 protein. It affects a nucleotide within the consensus splice site. This variant is present in population databases (no rsID available, gnomAD 0.0009%). ClinVar contains an entry for this variant (Variation ID: 565667). Variants that disrupt the consensus splice site are a relatively common cause of aberrant splicing (PMID: 17576681, 9536098). Algorithms developed to predict the effect of sequence changes on RNA splicing suggest that this variant may disrupt the consensus splice site. In summary, the available evidence is currently insufficient to determine the role of this variant in disease. Therefore, it has been classified as a Variant of Uncertain Significance.

Literature cited by the submitters: PubMed 17576681; PubMed 9536098.